The following is an entry in ClinVar:

ClinVar aggregate classification (germline): Uncertain significance (1 of 4 stars; one submission).

Submission:

Ambry Genetics
Classification: Uncertain significance. Last evaluated: 2022-03-31. Review status: criteria provided, single submitter. Criteria: Ambry Variant Classification Scheme 2023. Collection method: clinical testing. Allele origin: germline.
Comment: The p.P903T variant (also known as c.2707C>A), located in coding exon 13 of the NPAT gene, results from a C to A substitution at nucleotide position 2707. The proline at codon 903 is replaced by threonine, an amino acid with highly similar properties. This amino acid position is conserved. In addition, this alteration is predicted to be tolerated by in silico analysis. Since supporting evidence is limited at this time, the clinical significance of this alteration remains unclear.

NM_002519.3(NPAT):c.2707C>A (p.Pro903Thr)

Gene: NPAT (nuclear protein, coactivator of histone transcription; minus strand). Cytogenetic location: 11q22.3.
Variant type: single nucleotide variant.
Coding change: c.2707C>A on transcript NM_002519.3 (MANE Select); coding-DNA position 2707, C replaced by A.
Protein change: p.Pro903Thr; replaces proline 903 with threonine.
Molecular consequence: missense variant.
Genome position (GRCh38, 1-based): chr11:108,172,277, G>T on the plus strand (C>A on the coding strand, the complement: NPAT is on the minus strand). VCF-style: chr11-108172277-G-T. GRCh37 (hg19) VCF-style: chr11-108043004-G-T.
Other names: c.2707C>A, p.Pro903Thr (NM_001321307.1); short protein forms P903T.
Identifiers: ClinVar variation 1794995 (VCV001794995.2), dbSNP rs370029607, ClinGen allele CA382512409.
Genomic context (GRCh38, chr11:108,172,277, plus strand): 5'-ACACAGCTTGGTTGACAGCAAATACACTGTTTGACCTTGGTGGTGTCTGTAACTGAGGTG[G>T]TAGAGGTTGAGCAGTCATAGGTGCAGAATTTCCAGGCAACACCACTACATTAGACTGACT-3'
Protein context (NP_002510.2, residues 893-913): NSAPMTAQPL[Pro903Thr]PQLQTPPRSN